The following is an entry in ClinVar:

NM_001042432.2(CLN3):c.126-8C>T

Gene: CLN3 (CLN3 lysosomal/endosomal transmembrane protein, battenin; minus strand). Cytogenetic location: 16p12.1.
Variant type: single nucleotide variant.
Coding change: c.126-8C>T on transcript NM_001042432.2 (MANE Select); 8 bases into the intron before coding-DNA position 126, C replaced by T.
Molecular consequence: intron variant.
Genome position (GRCh38, 1-based): chr16:28,489,394, G>A on the plus strand (C>T on the coding strand, the complement: CLN3 is on the minus strand). VCF-style: chr16-28489394-G-A. GRCh37 (hg19) VCF-style: chr16-28500715-G-A.
Other names: c.-37-8C>T (NM_001286109.2, NM_001286110.2); c.126-8C>T (NM_001286104.2, NM_000086.2); c.-95-8C>T (NM_001286105.2).
Identifiers: ClinVar variation 696510 (VCV000696510.18), dbSNP rs770136863, ClinGen allele CA7981047.

ClinVar aggregate classification (germline): Conflicting classifications of pathogenicity. Review status: criteria provided, conflicting classifications (1 of 4 stars). 5 submissions from 5 submitters: Uncertain significance (1); Likely benign (4). Last evaluated 2026-02-02.

Conditions:
Neuronal ceroid lipofuscinosis. Also called: Neuronal Ceroid Lipofuscinoses. Identifiers: Orphanet 216, Orphanet 79263, MedGen C0027877, MONDO:0016295. Disease mechanism: loss of function.
Neuronal ceroid lipofuscinosis 3 (CLN3). Identifiers: Orphanet 228346, MedGen C0751383, MONDO:0008767, OMIM 204200.
CLN3-related disorder. Also called: CLN3-related condition. Identifiers: MedGen CN382248.

Allele frequency attached by ClinVar (database versions not stated): gnomAD 0.00006; TOPMed 0.00007; ExAC 0.00009; gnomAD exomes 0.00014.
gnomAD v4.1: 99 of 1,601,088 alleles (0.0062%); highest among the groups gnomAD compares: Non-Finnish European, 0.0011%; no homozygotes.

Submissions (5):

PreventionGenetics, part of Exact Sciences
Classification: Likely benign for CLN3-related condition. Last evaluated: 2026-02-02. Review status: criteria provided, single submitter. Criteria: ACMG Guidelines, 2015. Collection method: clinical testing. Allele origin: germline.
Comment: This variant is classified as likely benign based on ACMG/AMP sequence variant interpretation guidelines (Richards et al. 2015 PMID: 25741868, with internal and published modifications).

Labcorp Genetics (formerly Invitae), Labcorp
Classification: Likely benign for Neuronal ceroid lipofuscinosis. Last evaluated: 2025-12-26. Review status: criteria provided, single submitter. Criteria: Invitae Variant Classification Sherloc (09022015). Collection method: clinical testing. Allele origin: germline.

Blueprint Genetics
Classification: Likely benign. Last evaluated: 2024-04-10. Review status: criteria provided, single submitter. Criteria: ACMG Guidelines, 2015. Collection method: clinical testing. Allele origin: germline.

GeneDx
Classification: Likely benign. Last evaluated: 2019-11-21. Review status: criteria provided, single submitter. Criteria: GeneDx Variant Classification Process June 2021. Collection method: clinical testing. Allele origin: germline. Affected: yes.

Illumina Laboratory Services, Illumina
Classification: Uncertain significance for Neuronal ceroid lipofuscinosis 3. Last evaluated: 2018-01-13. Review status: criteria provided, single submitter. Criteria: ICSL Variant Classification Criteria 13 December 2019. Collection method: clinical testing. Allele origin: germline.